The following is an entry in ClinVar:

NM_005359.5(SMAD4):c.669_691delTCAGCCTGCCAGTATACTGGGGG

Gene: SMAD4 (SMAD family member 4; plus strand). Cytogenetic location: 18q21.2.
Variant type: Deletion.
Coding change: c.669_691delTCAGCCTGCCAGTATACTGGGGG on transcript NM_005359.5; coding-DNA positions 669 to 691, 23 bases deleted (TCAGCCTGCCAGTATACTGGGGG).
Genome position (GRCh38, 1-based): chr18:51,058,126-51,058,148, TCAGCCTGCCAGTATACTGGGGG deleted; deleting any 23 consecutive bases within chr18:51,058,124-51,058,148 gives the same sequence; the c. name uses the placement nearest the transcript's 3' end. VCF-style (leftmost placement, unchanged base first): chr18-51058123-AGGTCAGCCTGCCAGTATACTGGG-A. GRCh37 (hg19) VCF-style: chr18-48584493-AGGTCAGCCTGCCAGTATACTGGG-A.
Identifiers: ClinVar variation 418499 (VCV000418499.4), dbSNP rs1064793271, ClinGen allele CA16620702.

ClinVar aggregate classification (germline): Pathogenic (1 of 4 stars; one submission).

Submission:

GeneDx
Classification: Pathogenic. Last evaluated: 2014-12-19. Review status: criteria provided, single submitter. Criteria: GeneDx Variant Classification (06012015). Collection method: clinical testing. Allele origin: germline. Affected: yes.
Comment: This deletion of 23 nucleotides in SMAD4 is denoted c.669_691del23 at the cDNA level and p.Ser223ArgfsX4 (S223RfsX4) at the protein level. The normal sequence, with the bases that are deleted in braces, is TAGG[23]GCAG. The deletion causes a frameshift, which changes a Serine to an Arginine at codon 223, and creates a premature stop codon at position 4 of the new reading frame. Although this variant has not, to our knowledge, been reported in the literature, it is predicted to cause loss of normal protein function through either protein truncation or nonsense-mediated mRNA decay. we consider this variant to be pathogenic.